The following is an entry in ClinVar:

NM_144997.7(FLCN):c.1286A>G (p.His429Arg)

Gene: FLCN (folliculin; minus strand). Cytogenetic location: 17p11.2.
Variant type: single nucleotide variant.
Coding change: c.1286A>G on transcript NM_144997.7 (MANE Select); coding-DNA position 1286, A replaced by G.
Protein change: p.His429Arg; replaces histidine 429 with arginine.
Molecular consequence: missense variant.
Genome position (GRCh38, 1-based): chr17:17,216,394, T>C on the plus strand (A>G on the coding strand, the complement: FLCN is on the minus strand). VCF-style: chr17-17216394-T-C. GRCh37 (hg19) VCF-style: chr17-17119708-T-C.
Other names: c.1340A>G, p.His447Arg (NM_001353229.2); c.1286A>G, p.His429Arg (NM_001353230.2, NM_001353231.2); short protein forms H429R, H447R.
Identifiers: ClinVar variation 5021837 (VCV005021837.1).

ClinVar aggregate classification (germline): Uncertain significance (1 of 4 stars; one submission).

Conditions:
Hereditary cancer-predisposing syndrome. Also called: Neoplastic Syndromes, Hereditary; Tumor predisposition; Hereditary neoplastic syndrome; Hereditary Cancer Syndrome. Identifiers: Orphanet 140162, MedGen C0027672, MeSH D009386, MONDO:0015356.

Submission:

Ambry Genetics
Classification: Uncertain significance for Hereditary cancer-predisposing syndrome. Last evaluated: 2026-07-06. Review status: criteria provided, single submitter. Criteria: Ambry Variant Classification Scheme 2023. Collection method: clinical testing. Allele origin: germline.
Comment: The p.H429R variant (also known as c.1286A>G), located in coding exon 8 of the FLCN gene, results from an A to G substitution at nucleotide position 1286. The histidine at codon 429 is replaced by arginine, an amino acid with highly similar properties. This amino acid position is conserved. In addition, the in silico prediction for this alteration is inconclusive. Based on the available evidence, the clinical significance of this variant remains unclear.